The following is an entry in ClinVar:

NM_000719.7(CACNA1C):c.4956+16C>T

Genes: CACNA1C (calcium voltage-gated channel subunit alpha1 C; plus strand), CACNA1C-AS1 (CACNA1C antisense RNA 1; minus strand). Cytogenetic location: 12p13.33.
Variant type: single nucleotide variant.
Coding change: c.4956+16C>T on transcript NM_000719.7 (MANE Select); 16 bases into the intron after coding-DNA position 4956, C replaced by T.
Molecular consequence: intron variant. On other transcripts: non-coding transcript variant (1).
Genome position (GRCh38, 1-based): chr12:2,677,237, C>T. VCF-style: chr12-2677237-C-T. GRCh37 (hg19) VCF-style: chr12-2786403-C-T.
Other names: c.4956+16C>T (NM_001167624.3, NM_001167623.2, NM_001129840.2 and 4 more transcripts); c.4923+16C>T (NM_001167625.2, NM_001129846.2); c.5100+16C>T (NM_199460.4, NM_001129827.2); c.5016+16C>T (NM_001129832.2); c.5040+16C>T (NM_001129831.2); c.5013+16C>T (NM_001129833.2, NM_001129834.2, NM_001129835.2); c.5079+16C>T (NM_001129829.2); c.4980+16C>T (NM_001129837.2, NM_001129838.2); and 3 more.
Identifiers: ClinVar variation 379056 (VCV000379056.10), dbSNP rs781417944, ClinGen allele CA6389655.
Genomic context (GRCh38, chr12:2,677,237, plus strand): 5'-GGCCTTGTGGGCAAGCCCTCCCAGAGGAACGCGCTGTCTCTGCAGGTGAGGGCCTGGGGG[C>T]GGGCCCACACTCCAGGAAGGTCCTGGTCATTGCCTCTGACCTCCAGTCAGGGTCCCGGTC-3'

ClinVar aggregate classification (germline): Likely benign. Review status: criteria provided, multiple submitters, no conflicts (2 of 4 stars). 3 submissions from 3 submitters: Likely benign (3). Last evaluated 2025-12-19.

Conditions:
Long QT syndrome (LQTS). Identifiers: MedGen C0023976, MeSH D008133, MONDO:0002442. Disease mechanism: loss of function. Inheritance: Various modes of inheritance.

Allele frequency attached by ClinVar (database versions not stated): ExAC 0.00003; gnomAD exomes 0.00003; TOPMed 0.00004.
gnomAD v4.1: 22 of 1,611,980 alleles (0.0014%); highest among the groups gnomAD compares: East Asian, 0.033%; no homozygotes.

Submissions (3):

Labcorp Genetics (formerly Invitae), Labcorp
Classification: Likely benign for Long QT syndrome. Last evaluated: 2025-12-19. Review status: criteria provided, single submitter. Criteria: Invitae Variant Classification Sherloc (09022015). Collection method: clinical testing. Allele origin: germline.

Blueprint Genetics
Classification: Likely benign. Last evaluated: 2021-10-30. Review status: criteria provided, single submitter. Criteria: ACMG Guidelines, 2015. Collection method: clinical testing. Allele origin: germline.

GeneDx
Classification: Likely benign. Last evaluated: 2016-05-26. Review status: criteria provided, single submitter. Criteria: GeneDx Variant Classification (06012015). Collection method: clinical testing. Allele origin: germline. Affected: yes.
Comment: This variant is considered likely benign or benign based on one or more of the following criteria: it is a conservative change, it occurs at a poorly conserved position in the protein, it is predicted to be benign by multiple in silico algorithms, and/or has population frequency not consistent with disease.